The following is an entry in ClinVar:

NM_000535.7(PMS2):c.2174+6T>C

Gene: PMS2 (PMS1 homolog 2, mismatch repair system component; minus strand). Cytogenetic location: 7p22.1.
Variant type: single nucleotide variant.
Coding change: c.2174+6T>C on transcript NM_000535.7 (MANE Select); 6 bases into the intron after coding-DNA position 2174, T replaced by C.
Molecular consequence: intron variant.
Genome position (GRCh38, 1-based): chr7:5,982,818, A>G on the plus strand (T>C on the coding strand, the complement: PMS2 is on the minus strand). VCF-style: chr7-5982818-A-G. GRCh37 (hg19) VCF-style: chr7-6022449-A-G.
Other names: IVS12+6T>C; c.1856+6T>C (NM_001322008.2, NM_001322007.2); c.1613+6T>C (NM_001322010.2); c.1769+6T>C (NM_001322004.2, NM_001322003.2, NM_001322009.2 and 1 more transcripts); c.1601+6T>C (NM_001322013.2); c.1241+6T>C (NM_001322012.2, NM_001322011.2); c.1865+6T>C (NM_001322015.2); c.2018+6T>C (NM_001322006.2); and 1 more.
Identifiers: ClinVar variation 127775 (VCV000127775.34), dbSNP rs587780050, ClinGen allele CA010975.

ClinVar aggregate classification (germline): Conflicting classifications of pathogenicity. Review status: criteria provided, conflicting classifications (1 of 4 stars). 11 submissions from 11 submitters: Uncertain significance (10); Benign (1). Last evaluated 2026-04-03.

Conditions:
Lynch syndrome 4 (LYNCH4). Also called: Colorectal cancer, hereditary nonpolyposis, type 4; Hereditary non-polyposis colorectal cancer, type 4. Identifiers: Orphanet 144, MedGen C1838333, MONDO:0013699, OMIM 614337. Disease mechanism: loss of function.
Mismatch repair cancer syndrome 4. Identifiers: MedGen C5436817, MONDO:0030843, OMIM 619101.
Hereditary nonpolyposis colorectal neoplasms. Identifiers: MedGen C0009405, MeSH D003123.
Hereditary cancer-predisposing syndrome. Also called: Neoplastic Syndromes, Hereditary; Tumor predisposition; Hereditary neoplastic syndrome; Hereditary Cancer Syndrome. Identifiers: Orphanet 140162, MedGen C0027672, MeSH D009386, MONDO:0015356.
Mismatch repair cancer syndrome 1 (MMRCS1). Also called: BRAIN TUMOR-POLYPOSIS SYNDROME 1; BTP1 SYNDROME; CHILDHOOD CANCER SYNDROME; MISMATCH REPAIR DEFICIENCY; MMR DEFICIENCY. Identifiers: Orphanet 252202, MedGen C5399763, MONDO:0010159, OMIM 276300. Disease mechanism: loss of function.

Allele frequency attached by ClinVar (database versions not stated): gnomAD exomes 0.00004 and 0.00010; gnomAD 0.00002 and 0.00003; TOPMed 0.00004; ExAC 0.00005.
gnomAD v4.1: 142 of 1,609,422 alleles (0.0088%); highest among the groups gnomAD compares: Non-Finnish European, 0.011%; no homozygotes.

Submissions (11):

Ambry Genetics
Classification: Uncertain significance for Hereditary cancer-predisposing syndrome. Last evaluated: 2026-04-03. Review status: criteria provided, single submitter. Criteria: Ambry Variant Classification Scheme 2023. Collection method: clinical testing. Allele origin: germline.
Comment: The c.2174+6T>C intronic variant results from a T to C substitution 6 nucleotides after coding exon 12 in the PMS2 gene. This nucleotide position is well conserved in available vertebrate species. In silico splice site analysis predicts that this alteration may weaken the native splice donor site. Based on the available evidence, the clinical significance of this variant remains unclear.

Labcorp Genetics (formerly Invitae), Labcorp
Classification: Benign for Hereditary nonpolyposis colorectal neoplasms. Last evaluated: 2026-01-28. Review status: criteria provided, single submitter. Criteria: Invitae Variant Classification Sherloc (09022015). Collection method: clinical testing. Allele origin: germline.

GeneDx
Classification: Uncertain significance. Last evaluated: 2025-10-01. Review status: criteria provided, single submitter. Criteria: GeneDx Variant Classification Process June 2021. Collection method: clinical testing. Allele origin: germline. Affected: yes.
Comment: In silico analysis is inconclusive as to whether the variant alters gene splicing. In the absence of RNA/functional studies, the actual effect of this sequence change is unknown.; Observed in an individual with ovarian cancer in published literature (PMID: 34326862); This variant is associated with the following publications: (PMID: 34326862)

Molecular Pathology, Peter Maccallum Cancer Centre
Classification: Uncertain significance for Lynch syndrome 4. Last evaluated: 2025-05-22. Review status: criteria provided, single submitter. Criteria: ACMG Guidelines, 2015. Collection method: clinical testing. Allele origin: germline. Inheritance: Autosomal dominant inheritance.

ARUP Laboratories, Molecular Genetics and Genomics, ARUP Laboratories
Classification: Uncertain significance. Last evaluated: 2024-10-22. Review status: criteria provided, single submitter. Criteria: ARUP Molecular Germline Variant Investigation Process 2024. Collection method: clinical testing. Allele origin: germline.
Comment: The PMS2 c.2174+6T>C variant (rs587780050, ClinVar Variation ID 127775) is reported in the literature in one individual affected with ovarian cancer (Bhai 2021). This variant is found predominantly in the non-Finnish European population with an allele frequency of 0.01% (135/1178970 alleles) in the Genome Aggregation Database (v4.1.0). This is an intronic variant and computational analyses (Alamut Visual Plus v.1.5.1) predict that this variant may impact splicing by weakening the nearby canonical donor splice site. While the high population frequency suggests that this is likely a benign variant, given the lack of clinical and functional data, the significance of this variant is uncertain at this time. References: Bhai P et al. Analysis of Sequence and Copy Number Variants in Canadian Patient Cohort With Familial Cancer Syndromes Using a Unique Next Generation Sequencing Based Approach. Front Genet. 2021 PMID: 34326862.

Color Diagnostics, LLC DBA Color Health
Classification: Uncertain significance for Hereditary cancer-predisposing syndrome. Last evaluated: 2024-04-08. Review status: criteria provided, single submitter. Criteria: ACMG Guidelines, 2015. Collection method: clinical testing. Allele origin: germline.
Comment: This variant causes a T to C nucleotide substitution at the +6 position of intron 12 of the PMS2 gene. To our knowledge, functional studies have not been reported for this variant. This variant has not been reported in individuals affected with hereditary cancer in the literature. This variant has been identified in 11/277164 chromosomes in the general population by the Genome Aggregation Database (gnomAD). The available evidence is insufficient to determine the role of this variant in disease conclusively. Therefore, this variant is classified as a Variant of Uncertain Significance.

Quest Diagnostics Nichols Institute San Juan Capistrano
Classification: Uncertain significance. Last evaluated: 2023-06-12. Review status: criteria provided, single submitter. Criteria: Quest Diagnostics criteria. Collection method: clinical testing. Allele origin: unknown.
Comment: This variant has not been reported in the published literature. The frequency of this variant in the general population, 0.000079 (10/126644 chromosomes (Genome Aggregation Database)), is uninformative in the assessment of its pathogenicity. Analysis of this variant using software algorithms for the prediction of the effect of nucleotide changes on splicing yielded predictions that this variant may affect proper PMS2 mRNA splicing . Based on the available information, we are unable to determine the clinical significance of this variant.

Department of Pathology and Laboratory Medicine, Sinai Health System
Classification: Uncertain significance for mismatch repair cancer syndrome 1. Last evaluated: 2022-07-27. Review status: criteria provided, single submitter. Criteria: ACMG Guidelines, 2015. Collection method: clinical testing. Allele origin: germline. Affected: no.

Fulgent Genetics
Classification: Uncertain significance for Lynch syndrome 4; Mismatch repair cancer syndrome 4. Last evaluated: 2022-04-20. Review status: criteria provided, single submitter. Criteria: ACMG Guidelines, 2015. Collection method: clinical testing. Allele origin: unknown.

Sema4
Classification: Uncertain significance for Hereditary cancer-predisposing syndrome. Last evaluated: 2021-11-23. Review status: criteria provided, single submitter. Criteria: Sema4 Curation Guidelines. Collection method: curation. Allele origin: germline.
Comment: To the best of our knowledge, the PMS2 c.2174+6T>C (p.?) variant has not been reported in individuals with PMS2-related disease. This variant was observed in 10/126644 chromosomes in the European (non-Finnish) population, according to the Genome Aggregation Database (PMID: 32461654). This variant has been reported in ClinVar (Variation ID: 127775). In silico tools suggest the variant may disrupt normal splicing, though these predictions have not been confirmed by transcriptional studies. The evidence is insufficient to meet ACMG/AMP criteria for classifying the variant as benign or pathogenic. Thus, the clinical significance of this variant is currently uncertain.

Women's Health and Genetics/Laboratory Corporation of America, LabCorp
Classification: Uncertain significance. Last evaluated: 2017-02-01. Review status: criteria provided, single submitter. Criteria: LabCorp Variant Classification Summary - May 2015. Collection method: clinical testing. Allele origin: germline.
Comment: Variant summary: The PMS2 c.2174+6T>C variant involves the alteration of a conserved intronic nucleotide. One in silico tool predicts a damaging outcome for this variant. 5/5 splice prediction tools predict weakening effect on canonical splicing donor site. However, these predictions have yet to be confirmed by functional studies. This variant was found in 5/94552 control chromosomes at a frequency of 0.0000529, which does not exceed the estimated maximal expected allele frequency of a pathogenic PMS2 variant (0.0001136). In addition, multiple clinical diagnostic laboratories/reputable databases classified this variant as uncertain significance. The variant of interest has not, to our knowledge, been reported in affected individuals via publications and/or reputable databases/clinical diagnostic laboratories; nor evaluated for functional impact by in vivo/vitro studies. Because of the absence of clinical information and the lack of functional studies, the variant is classified as a variant of uncertain significance (VUS) until additional information becomes available.